The following is an entry in ClinVar:

ClinVar aggregate classification (germline): Pathogenic (1 of 4 stars; one submission).

Submission:

Labcorp Genetics (formerly Invitae), Labcorp
Classification: Pathogenic. Last evaluated: 2025-11-27. Review status: criteria provided, single submitter. Criteria: Invitae Variant Classification Sherloc (09022015). Collection method: clinical testing. Allele origin: germline.
Comment: This sequence change creates a premature translational stop signal (p.Trp82*) in the EBP gene. It is expected to result in an absent or disrupted protein product. Loss-of-function variants in EBP are known to be pathogenic (PMID: 10391218). This variant is not present in population databases (gnomAD no frequency). This variant has not been reported in the literature in individuals affected with EBP-related conditions. For these reasons, this variant has been classified as Pathogenic.

Literature cited by the submitters: PubMed 10391218.

NM_006579.3(EBP):c.246G>A (p.Trp82Ter)

Gene: EBP (EBP cholestenol delta-isomerase; plus strand). Cytogenetic location: Xp11.23.
Variant type: single nucleotide variant.
Coding change: c.246G>A on transcript NM_006579.3 (MANE Select); coding-DNA position 246, G replaced by A.
Protein change: p.Trp82Ter; replaces tryptophan 82 with a stop codon.
Molecular consequence: nonsense.
Genome position (GRCh38, 1-based): chrX:48,524,017, G>A. VCF-style: chrX-48524017-G-A. GRCh37 (hg19) VCF-style: chrX-48382405-G-A.
Other names: short protein forms W82*.
Identifiers: ClinVar variation 4732145 (VCV004732145.1).